The following is an entry in ClinVar:

ClinVar aggregate classification (germline): Likely pathogenic (0 of 4 stars; one submission).

Conditions:
Congenital myasthenic syndrome 12 (CMS12). Also called: Myasthenia, congenital, 12, with tubular aggregates; MYASTHENIC SYNDROME, CONGENITAL, WITH TUBULAR AGGREGATES 1. Identifiers: Orphanet 353327, Orphanet 590, MedGen C3552335, MONDO:0012518, OMIM 610542.

Allele frequency attached by ClinVar (database versions not stated): TOPMed below 0.00001; gnomAD exomes 0.00001.
gnomAD v4.1: 12 of 1,613,122 alleles (0.00074%); highest among the groups gnomAD compares: Middle Eastern, 0.017%; no homozygotes.

Submission:

Concord Molecular Medicine Laboratory, Concord Repatriation General Hospital
Classification: Likely pathogenic for Congenital myasthenic syndrome 12. Last evaluated: 2022-10-18. Review status: no assertion criteria provided. Collection method: clinical testing. Allele origin: germline. Inheritance: Autosomal recessive inheritance. Affected: yes. Observed: 1 homozygote.
Comment: This missense substitution predicts an amino acid change from methionine (Met) to threonine (Thr) in codon 509 of the GFPT1 protein, p.(Met509Thr). The methionine residue is highly conserved and there is a moderate physicochemical difference between methionine and threonine. GFPT1 mutations cause congenital myasthenic syndrome 12 (CMS12). This variant has been observed at a very low frequency in control population (gnomAD: 0.0004%). It has been reported in a homozygous state in 1 individual affected with CMS (PMID: 21310273). It is located within the sugar isomerase (SIS1) domain. Missense substitutions in GFPT1 are a common cause of CMS (gnomAD Z score: 4.35). The current evidence allows a classification of the variant as “likely pathogenic” (ACMG criteria: PM1, PM2_supporting, PM3_supporting, PP1, PP2).

Literature cited by the submitters: PubMed 21310273.

NM_001244710.2(GFPT1):c.1526T>C (p.Met509Thr)

Gene: GFPT1 (glutamine--fructose-6-phosphate transaminase 1; minus strand). Cytogenetic location: 2p13.3.
Variant type: single nucleotide variant.
Coding change: c.1526T>C on transcript NM_001244710.2 (MANE Select); coding-DNA position 1526, T replaced by C.
Protein change: p.Met509Thr; replaces methionine 509 with threonine.
Molecular consequence: missense variant.
Genome position (GRCh38, 1-based): chr2:69,329,755, A>G on the plus strand (T>C on the coding strand, the complement: GFPT1 is on the minus strand). VCF-style: chr2-69329755-A-G. GRCh37 (hg19) VCF-style: chr2-69556887-A-G.
Other names: c.1472T>C, p.Met491Thr (NM_002056.4); short protein forms M491T, M509T.
Identifiers: ClinVar variation 1710930 (VCV001710930.1), dbSNP rs1558728601, ClinGen allele CA347422946.
Genomic context (GRCh38, chr2:69,329,755, plus strand): 5'-TTCAATCCAAGCATGATCTCTTTGCGTCTTTCTTGCATGGAGATCCGATCATCACACATC[A>G]TAAGGGCAAACATCACAAGGGATACAAACTGGCTGGTATAAGCCTGAAACATCACAAAAA-3'
Protein context (NP_001231639.1, residues 499-519): QFVSLVMFAL[Met509Thr]MCDDRISMQE